The following is an entry in ClinVar:

NM_006031.6(PCNT):c.196G>T (p.Gly66Ter)

Gene: PCNT (pericentrin; plus strand). Cytogenetic location: 21q22.3.
Variant type: single nucleotide variant.
Coding change: c.196G>T on transcript NM_006031.6 (MANE Select); coding-DNA position 196, G replaced by T.
Protein change: p.Gly66Ter; replaces glycine 66 with a stop codon.
Molecular consequence: nonsense. On other transcripts: 5 prime UTR variant (1).
Genome position (GRCh38, 1-based): chr21:46,326,518, G>T. VCF-style: chr21-46326518-G-T. GRCh37 (hg19) VCF-style: chr21-47746432-G-T.
Other names: c.-159G>T (NM_001315529.2); short protein forms G66*.
Identifiers: ClinVar variation 127247 (VCV000127247.3), dbSNP rs587779355, ClinGen allele CA236167.
Genomic context (GRCh38, chr21:46,326,518, plus strand): 5'-GTCGATGCGTCTGTCCAGGAGGAGAGTCCGGTAACCAAGGAGGACAGCGCACTCTGTGGA[G>T]GAGGGGACATTTGCAAAAGCACATCATGTGACGACACCCCTGATGGGGCAGGAGGGGCCT-3'

ClinVar aggregate classification (germline): Pathogenic. Review status: no assertion criteria provided (0 of 4 stars). 2 submissions from 1 submitter: Pathogenic (1). 1 of the submissions does not count toward it.

Conditions:
Microcephalic osteodysplastic primordial dwarfism type II (MOPD2). Also called: Microcephalic osteodysplastic primordial dwarfism with tooth abnormalities; MOPD II; OSTEODYSPLASTIC PRIMORDIAL DWARFISM, TYPE II. Identifiers: Orphanet 2637, MedGen C0432246, MONDO:0008872, OMIM 210720.

Submissions (2):

Genomic Medicine Center of Excellence, King Faisal Specialist Hospital and Research Centre
Classification: Pathogenic for Microcephalic osteodysplastic primordial dwarfism type 2. Review status: no assertion criteria provided. Collection method: research. Allele origin: germline. Affected: yes. Study: Genomic Analysis of Primordial Dwarfism Reveals Novel Disease Genes.

Genomic Medicine Center of Excellence, King Faisal Specialist Hospital and Research Centre
Classification: Likely pathogenic. Review status: flagged submission. Criteria: ACMG Guidelines, 2015. Collection method: research. Allele origin: germline. Affected: yes. Not counted in ClinVar's aggregate classification.
ClinVar note: Reason: This record appears to be redundant with a more recent record from the same submitter.
ClinVar note: Notes: SCV000221549 appears to be redundant with SCV000108550.